The following is an entry in ClinVar:

NM_005120.3(MED12):c.2128G>T (p.Val710Leu)

Gene: MED12 (mediator complex subunit 12; plus strand). Cytogenetic location: Xq13.1.
Variant type: single nucleotide variant.
Coding change: c.2128G>T on transcript NM_005120.3 (MANE Select); coding-DNA position 2128, G replaced by T.
Protein change: p.Val710Leu; replaces valine 710 with leucine.
Molecular consequence: missense variant.
Genome position (GRCh38, 1-based): chrX:71,125,048, G>T. VCF-style: chrX-71125048-G-T. GRCh37 (hg19) VCF-style: chrX-70344898-G-T.
Other names: short protein forms V710L.
Identifiers: ClinVar variation 4801065 (VCV004801065.1).

ClinVar aggregate classification (germline): Uncertain significance (1 of 4 stars; one submission).

Conditions:
FG syndrome (FGS). Identifiers: MedGen C0220769, MONDO:0002010.

Submission:

Labcorp Genetics (formerly Invitae), Labcorp
Classification: Uncertain significance for FG syndrome. Last evaluated: 2025-07-03. Review status: criteria provided, single submitter. Criteria: Invitae Variant Classification Sherloc (09022015). Collection method: clinical testing. Allele origin: germline.
Comment: This sequence change replaces valine, which is neutral and non-polar, with leucine, which is neutral and non-polar, at codon 710 of the MED12 protein (p.Val710Leu). This variant is not present in population databases (gnomAD no frequency). This variant has not been reported in the literature in individuals affected with MED12-related conditions. Invitae Evidence Modeling of protein sequence and biophysical properties (such as structural, functional, and spatial information, amino acid conservation, physicochemical variation, residue mobility, and thermodynamic stability) indicates that this missense variant is not expected to disrupt MED12 protein function with a negative predictive value of 95%. In summary, the available evidence is currently insufficient to determine the role of this variant in disease. Therefore, it has been classified as a Variant of Uncertain Significance.